The following is an entry in ClinVar:

NM_001042492.3(NF1):c.5610-12G>A

Gene: NF1 (neurofibromin 1; plus strand). Cytogenetic location: 17q11.2.
Variant type: single nucleotide variant.
Coding change: c.5610-12G>A on transcript NM_001042492.3 (MANE Select); 12 bases into the intron before coding-DNA position 5610, G replaced by A.
Molecular consequence: intron variant.
Genome position (GRCh38, 1-based): chr17:31,330,284, G>A. VCF-style: chr17-31330284-G-A. GRCh37 (hg19) VCF-style: chr17-29657302-G-A.
Other names: c.5547-12G>A (NM_000267.4).
Identifiers: ClinVar variation 1597082 (VCV001597082.11), dbSNP rs749499960, ClinGen allele CA8487207.

ClinVar aggregate classification (germline): Conflicting classifications of pathogenicity. Review status: criteria provided, conflicting classifications (1 of 4 stars). 4 submissions from 4 submitters: Uncertain significance (1); Likely benign (3). Last evaluated 2026-09-22.

Conditions:
Cardiovascular phenotype. Identifiers: MedGen CN230736.
Hereditary cancer-predisposing syndrome. Also called: Neoplastic Syndromes, Hereditary; Tumor predisposition; Hereditary Cancer Syndrome; Hereditary neoplastic syndrome. Identifiers: Orphanet 140162, MedGen C0027672, MeSH D009386, MONDO:0015356.
Neurofibromatosis, type 1 (NF1). Also called: NEUROFIBROMATOSIS, TYPE I, SOMATIC; Neurofibromatosis, type I; VON RECKLINGHAUSEN DISEASE; Peripheral type neurofibromatosis. Identifiers: Orphanet 636, MedGen C0027831, MONDO:0018975, OMIM 162200. Disease mechanism: loss of function.

Allele frequency attached by ClinVar (database versions not stated): gnomAD 0.00001; gnomAD exomes below 0.00001 and 0.00001; TOPMed 0.00001; ExAC 0.00001.
gnomAD v4.1: 4 of 1,613,022 alleles (0.00025%); highest among the groups gnomAD compares: African/African-American, 0.0053%; no homozygotes.

Submissions (4):

Myriad Genetics, Inc.
Classification: Likely benign for Neurofibromatosis, type 1. Last evaluated: 2026-09-22. Review status: criteria provided, single submitter. Criteria: Myriad Autosomal Dominant, Autosomal Recessive and X-Linked Classification Criteria (2023). Collection method: clinical testing. Allele origin: unknown.
Comment: This variant is considered likely benign. This variant is intronic and is not expected to impact mRNA splicing.

Labcorp Genetics (formerly Invitae), Labcorp
Classification: Likely benign for Neurofibromatosis, type 1. Last evaluated: 2026-01-26. Review status: criteria provided, single submitter. Criteria: Invitae Variant Classification Sherloc (09022015). Collection method: clinical testing. Allele origin: germline.

GeneDx
Classification: Uncertain significance. Last evaluated: 2023-07-31. Review status: criteria provided, single submitter. Criteria: GeneDx Variant Classification Process June 2021. Collection method: clinical testing. Allele origin: germline. Affected: yes.
Comment: Has not been previously published as pathogenic or benign to our knowledge; In silico analysis supports that this variant does not alter splicing

Ambry Genetics
Classification: Likely benign for Cardiovascular phenotype; Hereditary cancer-predisposing syndrome. Last evaluated: 2023-03-21. Review status: criteria provided, single submitter. Criteria: Ambry Variant Classification Scheme 2023. Collection method: clinical testing. Allele origin: germline.